The following is an entry in ClinVar:

ClinVar aggregate classification (germline): Uncertain significance (1 of 4 stars; one submission).

Submission:

Women's Health and Genetics/Laboratory Corporation of America, LabCorp
Classification: Uncertain significance. Last evaluated: 2026-01-30. Review status: criteria provided, single submitter. Criteria: LabCorp Variant Classification Summary - May 2015. Collection method: clinical testing. Allele origin: germline.
Comment: Variant summary: CTBP1 c.697G>C (p.Val233Leu) results in a conservative amino acid change in the encoded protein sequence. Algorithms developed to predict the effect of missense changes on protein structure and function are either unavailable or do not agree on the potential impact of this missense change. The variant was absent in 249500 control chromosomes. The available data on variant occurrences in the general population are insufficient to allow any conclusion about variant significance. To our knowledge, no occurrence of c.697G>C in individuals affected with CTBP1-related conditions and no experimental evidence demonstrating its impact on protein function have been reported. No submitters have cited clinical-significance assessments for this variant to ClinVar. Based on the evidence outlined above, the variant was classified as uncertain significance.

NM_001012614.2(CTBP1):c.664G>C (p.Val222Leu)

Genes: CTBP1 (C-terminal binding protein 1; minus strand), CTBP1-AS (CTBP1 antisense RNA; plus strand). Cytogenetic location: 4p16.3.
Variant type: single nucleotide variant.
Coding change: c.664G>C on transcript NM_001012614.2 (MANE Select); coding-DNA position 664, G replaced by C.
Protein change: p.Val222Leu; replaces valine 222 with leucine.
Molecular consequence: missense variant. On other transcripts: non-coding transcript variant (1).
Genome position (GRCh38, 1-based): chr4:1,216,056, C>G on the plus strand (G>C on the coding strand, the complement: CTBP1 is on the minus strand). VCF-style: chr4-1216056-C-G. GRCh37 (hg19) VCF-style: chr4-1209844-C-G.
Other names: c.697G>C, p.Val233Leu (NM_001328.3, NM_001377186.1); c.664G>C, p.Val222Leu (NM_001377187.1, NM_001377188.1, NM_001377189.1 and 4 more transcripts); short protein forms V222L, V233L.
Identifiers: ClinVar variation 4688955 (VCV004688955.1).